The following is an entry in ClinVar:

NM_144573.4(NEXN):c.1852G>A (p.Glu618Lys)

Gene: NEXN (nexilin F-actin binding protein; plus strand). Cytogenetic location: 1p31.1.
Variant type: single nucleotide variant.
Coding change: c.1852G>A on transcript NM_144573.4 (MANE Select); coding-DNA position 1852, G replaced by A.
Protein change: p.Glu618Lys; replaces glutamic acid 618 with lysine.
Molecular consequence: missense variant.
Genome position (GRCh38, 1-based): chr1:77,942,653, G>A. VCF-style: chr1-77942653-G-A. GRCh37 (hg19) VCF-style: chr1-78408338-G-A.
Other names: c.1660G>A, p.Glu554Lys (NM_001172309.2); short protein forms E618K, E554K.
Identifiers: ClinVar variation 409282 (VCV000409282.11), dbSNP rs1060502321, ClinGen allele CA16610222.

ClinVar aggregate classification (germline): Uncertain significance. Review status: criteria provided, multiple submitters, no conflicts (2 of 4 stars). 2 submissions from 2 submitters: Uncertain significance (2). Last evaluated 2019-03-09.

Conditions:
Hypertrophic cardiomyopathy 20. Identifiers: MedGen C3151267, MONDO:0013477, OMIM 613876.
Dilated cardiomyopathy 1CC (CMD1CC). Identifiers: Orphanet 154, MedGen C2751084, MONDO:0013147, OMIM 613122.

gnomAD v4.1: 1 of 1,613,816 alleles (0.000062%); no homozygotes.

Submissions (2):

Labcorp Genetics (formerly Invitae), Labcorp
Classification: Uncertain significance for Dilated cardiomyopathy 1CC; Hypertrophic cardiomyopathy 20. Last evaluated: 2019-03-09. Review status: criteria provided, single submitter. Criteria: Invitae Variant Classification Sherloc (09022015). Collection method: clinical testing. Allele origin: germline.
Comment: In summary, the available evidence is currently insufficient to determine the role of this variant in disease. Therefore, it has been classified as a Variant of Uncertain Significance. Algorithms developed to predict the effect of missense changes on protein structure and function do not agree on the potential impact of this missense change (SIFT: "Deleterious"; PolyPhen-2: "Probably Damaging"; Align-GVGD: "Class C0"). This variant has not been reported in the literature in individuals with NEXN-related disease. ClinVar contains an entry for this variant (Variation ID: 409282). This variant is not present in population databases (ExAC no frequency). This sequence change replaces glutamic acid with lysine at codon 618 of the NEXN protein (p.Glu618Lys). The glutamic acid residue is highly conserved and there is a small physicochemical difference between glutamic acid and lysine.

Breakthrough Genomics
Classification: Uncertain significance. Review status: criteria provided, single submitter. Criteria: ACMG Guidelines, 2015. Collection method: not provided. Allele origin: germline. Inheritance: Autosomal dominant inheritance. Affected: yes.